The following is an entry in ClinVar:

NM_015335.5(MED13L):c.727T>C (p.Tyr243His)

Gene: MED13L (mediator complex subunit 13L; minus strand). Cytogenetic location: 12q24.21.
Variant type: single nucleotide variant.
Coding change: c.727T>C on transcript NM_015335.5 (MANE Select); coding-DNA position 727, T replaced by C.
Protein change: p.Tyr243His; replaces tyrosine 243 with histidine.
Molecular consequence: missense variant.
Genome position (GRCh38, 1-based): chr12:116,019,871, A>G on the plus strand (T>C on the coding strand, the complement: MED13L is on the minus strand). VCF-style: chr12-116019871-A-G. GRCh37 (hg19) VCF-style: chr12-116457676-A-G.
Other names: short protein forms Y243H.
Identifiers: ClinVar variation 2739669 (VCV002739669.3), dbSNP rs2499945923, ClinGen allele CA386871058.

ClinVar aggregate classification (germline): Uncertain significance (1 of 4 stars; one submission).

Conditions:
Dextro-looped transposition of the great arteries. Also called: Dextrotransposition of the great arteries. Identifiers: Orphanet 860, MedGen C3531771, MONDO:0019443, OMIM 608808, HP:0031348.

Submission:

Labcorp Genetics (formerly Invitae), Labcorp
Classification: Uncertain significance for Dextro-looped transposition of the great arteries. Last evaluated: 2023-12-30. Review status: criteria provided, single submitter. Criteria: Invitae Variant Classification Sherloc (09022015). Collection method: clinical testing. Allele origin: germline.
Comment: This sequence change replaces tyrosine, which is neutral and polar, with histidine, which is basic and polar, at codon 243 of the MED13L protein (p.Tyr243His). This variant is not present in population databases (gnomAD no frequency). This variant has not been reported in the literature in individuals affected with MED13L-related conditions. Advanced modeling of protein sequence and biophysical properties (such as structural, functional, and spatial information, amino acid conservation, physicochemical variation, residue mobility, and thermodynamic stability) performed at Invitae indicates that this missense variant is expected to disrupt MED13L protein function with a positive predictive value of 80%. In summary, the available evidence is currently insufficient to determine the role of this variant in disease. Therefore, it has been classified as a Variant of Uncertain Significance.